The following is an entry in ClinVar:

ClinVar aggregate classification (germline): Conflicting classifications of pathogenicity. Review status: criteria provided, conflicting classifications (1 of 4 stars). 2 submissions from 2 submitters: Uncertain significance (1); Likely benign (1). Last evaluated 2026-02-01.

Allele frequency attached by ClinVar (database versions not stated): 1000 Genomes Project 30x 0.00031; 1000 Genomes Project 0.00040.
gnomAD v4.1: 52 of 1,614,108 alleles (0.0032%); highest among the groups gnomAD compares: East Asian, 0.08%; no homozygotes.

Submissions (2):

Labcorp Genetics (formerly Invitae), Labcorp
Classification: Likely benign. Last evaluated: 2026-02-01. Review status: criteria provided, single submitter. Criteria: Invitae Variant Classification Sherloc (09022015). Collection method: clinical testing. Allele origin: germline.

GeneDx
Classification: Uncertain significance. Last evaluated: 2019-12-05. Review status: criteria provided, single submitter. Criteria: GeneDx Variant Classification Process June 2021. Collection method: clinical testing. Allele origin: germline. Affected: yes.
Comment: In silico analysis, which includes protein predictors and evolutionary conservation, supports that this variant does not alter protein structure/function; Has not been previously published as pathogenic or benign to our knowledge

NM_000316.3(PTH1R):c.182G>A (p.Ser61Asn)

Gene: PTH1R (parathyroid hormone 1 receptor; plus strand). Cytogenetic location: 3p21.31.
Variant type: single nucleotide variant.
Coding change: c.182G>A on transcript NM_000316.3 (MANE Select); coding-DNA position 182, G replaced by A.
Protein change: p.Ser61Asn; replaces serine 61 with asparagine.
Molecular consequence: missense variant.
Genome position (GRCh38, 1-based): chr3:46,895,738, G>A. VCF-style: chr3-46895738-G-A. GRCh37 (hg19) VCF-style: chr3-46937228-G-A.
Other names: c.182G>A, p.Ser61Asn (NM_001184744.1); short protein forms S61N.
Identifiers: ClinVar variation 1145797 (VCV001145797.10), dbSNP rs187585108, ClinGen allele CA2359114.